The following is an entry in ClinVar:

NM_001244710.2(GFPT1):c.*2219C>T

Gene: GFPT1 (glutamine--fructose-6-phosphate transaminase 1; minus strand). Cytogenetic location: 2p13.3.
Variant type: single nucleotide variant.
Coding change: c.*2219C>T on transcript NM_001244710.2 (MANE Select); 2219 bases downstream of the stop codon, C replaced by T.
Molecular consequence: 3 prime UTR variant.
Genome position (GRCh38, 1-based): chr2:69,323,970, G>A on the plus strand (C>T on the coding strand, the complement: GFPT1 is on the minus strand). VCF-style: chr2-69323970-G-A. GRCh37 (hg19) VCF-style: chr2-69551102-G-A.
Other names: c.*2219C>T (NM_002056.4).
Identifiers: ClinVar variation 336842 (VCV000336842.5), dbSNP rs149217357, ClinGen allele CA10614299.

ClinVar aggregate classification (germline): Benign (1 of 4 stars; one submission).

Conditions:
Congenital myasthenic syndrome 12 (CMS12). Also called: MYASTHENIC SYNDROME, CONGENITAL, WITH TUBULAR AGGREGATES 1; Myasthenia, congenital, 12, with tubular aggregates. Identifiers: Orphanet 353327, Orphanet 590, MedGen C3552335, MONDO:0012518, OMIM 610542.

Allele frequency attached by ClinVar (database versions not stated): 1000 Genomes Project 0.01158; gnomAD 0.01194 and 0.01291; 1000 Genomes Project 30x 0.01202; TOPMed 0.01336.

Submission:

Illumina Laboratory Services, Illumina
Classification: Benign for Congenital myasthenic syndrome 12. Last evaluated: 2018-01-12. Review status: criteria provided, single submitter. Criteria: ICSL Variant Classification Criteria 13 December 2019. Collection method: clinical testing. Allele origin: germline.
Comment: This variant was observed in the ICSL laboratory as part of a predisposition screen in an ostensibly healthy population. It had not been previously curated by ICSL or reported in the Human Gene Mutation Database (HGMD: prior to June 1st, 2018), and was therefore a candidate for classification through an automated scoring system. Utilizing variant allele frequency, disease prevalence and penetrance estimates, and inheritance mode, an automated score was calculated to assess if this variant is too frequent to cause the disease. Based on the score and internal cut-off values, a variant classified as benign is not then subjected to further curation. The score for this variant resulted in a classification of benign for this disease.